The following is an entry in ClinVar:

ClinVar aggregate classification (germline): Uncertain significance (1 of 4 stars; one submission).

Submission:

Labcorp Genetics (formerly Invitae), Labcorp
Classification: Uncertain significance. Last evaluated: 2023-01-30. Review status: criteria provided, single submitter. Criteria: Invitae Variant Classification Sherloc (09022015). Collection method: clinical testing. Allele origin: germline.
Comment: This variant has not been reported in the literature in individuals affected with MCM4-related conditions. Advanced modeling of protein sequence and biophysical properties (such as structural, functional, and spatial information, amino acid conservation, physicochemical variation, residue mobility, and thermodynamic stability) performed at Invitae indicates that this missense variant is not expected to disrupt MCM4 protein function. In summary, the available evidence is currently insufficient to determine the role of this variant in disease. Therefore, it has been classified as a Variant of Uncertain Significance. This variant is not present in population databases (gnomAD no frequency). This sequence change replaces leucine, which is neutral and non-polar, with proline, which is neutral and non-polar, at codon 818 of the MCM4 protein (p.Leu818Pro).

NM_182746.3(MCM4):c.2453T>C (p.Leu818Pro)

Gene: MCM4 (minichromosome maintenance complex component 4; plus strand). Cytogenetic location: 8q11.21.
Variant type: single nucleotide variant.
Coding change: c.2453T>C on transcript NM_182746.3 (MANE Select); coding-DNA position 2453, T replaced by C.
Protein change: p.Leu818Pro; replaces leucine 818 with proline.
Molecular consequence: missense variant.
Genome position (GRCh38, 1-based): chr8:47,975,802, T>C. VCF-style: chr8-47975802-T-C. GRCh37 (hg19) VCF-style: chr8-48888362-T-C.
Other names: c.2453T>C, p.Leu818Pro (NM_005914.4); short protein forms L818P.
Identifiers: ClinVar variation 2783817 (VCV002783817.3), dbSNP rs2551885435, ClinGen allele CA371156348.
Genomic context (GRCh38, chr8:47,975,802, plus strand): 5'-AAGAAGAATTAGCTGAAGCATTGAAAAAGCTTATTTTATCTAAGGGCAAAACACCAGCTC[T>C]AAAATACCAGCAACTTTTTGAAGATATTCGGGGACAATCTGACATAGTAAGTGTTTATAT-3'
Protein context (NP_877423.1, residues 808-828): LILSKGKTPA[Leu818Pro]KYQQLFEDIR